The following is an entry in ClinVar:

NM_000531.6(OTC):c.67C>T (p.Arg23Ter)

Gene: OTC (ornithine transcarbamylase; plus strand). Cytogenetic location: Xp11.4.
Variant type: single nucleotide variant.
Coding change: c.67C>T on transcript NM_000531.6 (MANE Select); coding-DNA position 67, C replaced by T.
Protein change: p.Arg23Ter; replaces arginine 23 with a stop codon.
Molecular consequence: nonsense.
Genome position (GRCh38, 1-based): chrX:38,352,763, C>T. VCF-style: chrX-38352763-C-T. GRCh37 (hg19) VCF-style: chrX-38212016-C-T.
Other names: short protein forms R23*.
Identifiers: ClinVar variation 97292 (VCV000097292.20), dbSNP rs72552300, ClinGen allele CA224742.

ClinVar aggregate classification (germline): Pathogenic. Review status: criteria provided, multiple submitters, no conflicts (2 of 4 stars). 7 submissions from 7 submitters: Pathogenic (6). 1 of the submissions does not count toward it. Last evaluated 2025-03-13.

Conditions:
Ornithine carbamoyltransferase deficiency (OTCD). Also called: ORNITHINE TRANSCARBAMYLASE DEFICIENCY, HYPERAMMONEMIA DUE TO; ORNITHINE TRANSCARBAMYLASE DEFICIENCY; OTC DEFICIENCY; Ornithine Carbamoyltransferase Deficiency Disease. Identifiers: Orphanet 664, MedGen C0268542, MONDO:0010703, OMIM 311250.

Submissions (7):

Clinical Genomics Laboratory, Washington University in St. Louis
Classification: Pathogenic for Ornithine carbamoyltransferase deficiency. Last evaluated: 2025-03-13. Review status: criteria provided, single submitter. Criteria: ACMG Guidelines, 2015. Collection method: clinical testing. Allele origin: germline. Affected: yes.
Comment: The OTC c. 67C>T (p.Arg23*) variant has been reported in three individuals affected with Ornithine transcarbamylase deficiency (Grompe M et al., PMID: 1671317; Lindemann R et al., PMID: 18604903; Martin-Hernandez E et al., PMID: 25433810). This variant has been reported in the ClinVar database as a pathogenic variant by 5 submitters (Variation ID: 97292). This variant is absent from the general population (gnomAD v.4.1), indicating it is not a common variant. This variant leads to a premature termination codon, which is predicted to lead to nonsense mediated decay. Based on available information and the ACMG/AMP guidelines for variant interpretation (Richards S et al., PMID: 25741868), this variant is classified as pathogenic.

Revvity Omics, Revvity
Classification: Pathogenic for Ornithine carbamoyltransferase deficiency. Last evaluated: 2023-12-26. Review status: criteria provided, single submitter. Criteria: ACMG Guidelines, 2015. Collection method: clinical testing. Allele origin: germline.

GeneDx
Classification: Pathogenic. Last evaluated: 2023-03-31. Review status: criteria provided, single submitter. Criteria: GeneDx Variant Classification Process June 2021. Collection method: clinical testing. Allele origin: germline. Affected: yes.
Comment: Nonsense variant predicted to result in protein truncation or nonsense mediated decay in a gene for which loss-of-function is a known mechanism of disease; Not observed in large population cohorts (gnomAD); This variant is associated with the following publications: (PMID: 10946359, 24485820, 1671317, 18604903, 29396029, 9286441, 11793468, 11117428, 25433810, 19138872, 33489762, 33309754, 33272297, 32778825)

Labcorp Genetics (formerly Invitae), Labcorp
Classification: Pathogenic for Ornithine carbamoyltransferase deficiency. Last evaluated: 2022-08-03. Review status: criteria provided, single submitter. Criteria: Invitae Variant Classification Sherloc (09022015). Collection method: clinical testing. Allele origin: germline.
Comment: For these reasons, this variant has been classified as Pathogenic. ClinVar contains an entry for this variant (Variation ID: 97292). This premature translational stop signal has been observed in individual(s) with ornithine transcarbamylase deficiency (PMID: 1671317, 18604903). This variant is not present in population databases (gnomAD no frequency). This sequence change creates a premature translational stop signal (p.Arg23*) in the OTC gene. It is expected to result in an absent or disrupted protein product. Loss-of-function variants in OTC are known to be pathogenic (PMID: 10946359, 16786505).

ARUP Laboratories, Molecular Genetics and Genomics, ARUP Laboratories
Classification: Pathogenic for Ornithine carbamoyltransferase deficiency. Last evaluated: 2021-07-01. Review status: criteria provided, single submitter. Criteria: ARUP Molecular Germline Variant Investigation Process 2021. Collection method: clinical testing. Allele origin: germline.
Comment: The OTC c.67C>T; p.Arg23Ter variant (rs72552300) is reported in the literature in individuals affected with ornithine transcarbamylase deficiency (Grompe 1991, Wilnai 2018). This variant is reported in ClinVar (Variation ID: 97292), and is absent from general population databases (Exome Variant Server, Genome Aggregation Database), indicating it is not a common polymorphism. This variant induces an early termination codon and is predicted to result in a truncated protein or mRNA subject to nonsense-mediated decay. Based on available information, this variant is considered to be pathogenic. References: Grompe M et al. Improved molecular diagnostics for ornithine transcarbamylase deficiency. Am J Hum Genet. 1991 Feb;48(2):212-22. Wilnai Y et al. Prenatal treatment of ornithine transcarbamylase deficiency. Mol Genet Metab. 2018 Mar;123(3):297-300.

Juno Genomics, Hangzhou Juno Genomics, Inc
Classification: Pathogenic for Ornithine carbamoyltransferase deficiency. Review status: criteria provided, single submitter. Criteria: ACMG Guidelines, 2015. Collection method: clinical testing. Allele origin: germline. Affected: yes.
Comment: Absent from controls (or at extremely low frequency if recessive) in Genome Aggregation Database, Exome Sequencing Project, 1000 Genomes Project, or Exome Aggregation Consortium.;Null variant in a gene where loss of function (LOF) is a known mechanism of disease.;De novo (both maternity and paternity confirmed) in a patient with the disease and no family history.;The prevalence of the variant in affected individuals is significantly increased compared to the prevalence in controls.

GenMed Metabolism Lab
Classification: Pathogenic. Review status: no assertion criteria provided. Collection method: not provided. Allele origin: unknown. Not counted in ClinVar's aggregate classification.
Comment: p.Arg23X, Neonatal, Leader sequence, CpG dinucleotide
ClinVar note: Converted during submission from pathogenic to Pathogenic.

Literature cited by the submitters: PubMed 1671317 (cited by Labcorp Genetics (formerly Invitae), Labcorp); PubMed 18604903 (cited by Labcorp Genetics (formerly Invitae), Labcorp); PubMed 10946359 (cited by Labcorp Genetics (formerly Invitae), Labcorp); PubMed 16786505 (cited by Labcorp Genetics (formerly Invitae), Labcorp).